The following is an entry in ClinVar:

ClinVar aggregate classification (germline): Likely benign. Review status: criteria provided, single submitter (1 of 4 stars). 2 submissions from 2 submitters: Likely benign (1). 1 of the submissions does not count toward it. Last evaluated 2023-11-04.

Conditions:
EDNRA-related disorder. Also called: EDNRA-related condition.

Allele frequency attached by ClinVar (database versions not stated): gnomAD 0.00011; ExAC 0.00012; TOPMed 0.00012; gnomAD exomes 0.00014; 1000 Genomes Project 30x 0.00016; 1000 Genomes Project 0.00020; ESP Exome Variant Server 0.00038.
gnomAD v4.1: 221 of 1,612,440 alleles (0.014%); highest among the groups gnomAD compares: Non-Finnish European, 0.017%; no homozygotes.

Submissions (2):

Labcorp Genetics (formerly Invitae), Labcorp
Classification: Likely benign. Last evaluated: 2023-11-04. Review status: criteria provided, single submitter. Criteria: Invitae Variant Classification Sherloc (09022015). Collection method: clinical testing. Allele origin: germline.

PreventionGenetics, part of Exact Sciences
Classification: Likely benign for EDNRA-related condition. Last evaluated: 2019-03-01. Review status: no assertion criteria provided. Collection method: clinical testing. Allele origin: germline. Not counted in ClinVar's aggregate classification.
Comment: This variant is classified as likely benign based on ACMG/AMP sequence variant interpretation guidelines (Richards et al. 2015 PMID: 25741868, with internal and published modifications).

NM_001957.4(EDNRA):c.780C>T (p.Phe260=)

Gene: EDNRA (endothelin receptor type A; plus strand). Cytogenetic location: 4q31.23.
Variant type: single nucleotide variant.
Coding change: c.780C>T on transcript NM_001957.4 (MANE Select); coding-DNA position 780, C replaced by T.
Protein change: p.Phe260=; no amino-acid change (phenylalanine 260 retained).
Molecular consequence: synonymous variant. On other transcripts: non-coding transcript variant (3).
Genome position (GRCh38, 1-based): chr4:147,535,909, C>T. VCF-style: chr4-147535909-C-T. GRCh37 (hg19) VCF-style: chr4-148457061-C-T.
Other names: c.453C>T, p.Phe151= (NM_001166055.2); c.780C>T (NM_001957.3).
Identifiers: ClinVar variation 1988796 (VCV001988796.6), dbSNP rs150937673, ClinGen allele CA3097968.
Genomic context (GRCh38, chr4:147,535,909, plus strand): 5'-TTCTCTTTTTTTTTTTTTCACTTTGAAGTTCTACCAAGATGTAAAGGACTGGTGGCTCTT[C>T]GGGTTCTATTTCTGTATGCCCTTGGTGTGCACTGCGATCTTCTACACCCTCATGACTTGT-3'
Protein context (NP_001948.1, residues 250-270): FYQDVKDWWL[Phe260=]GFYFCMPLVC